The following continues an entry in ClinVar:

NM_000402.4(G6PD):c.653C>T (p.Ser218Phe)

Gene: G6PD. ClinVar aggregate classification (germline): Pathogenic/Likely pathogenic. Pathogenic (50); Likely pathogenic (7).

Submissions 24 to 35 of 71:

New York Genome Center
Classification: Pathogenic for Anemia, nonspherocytic hemolytic, due to G6PD deficiency. Last evaluated: 2024-07-03. Review status: criteria provided, single submitter. Criteria: NYGC Assertion Criteria 2020. Collection method: clinical testing. Allele origin: inherited. Observed: 4 variant alleles, 4 hemizygotes. Clinical features observed: Hypospadias (HP:0000047), Micropenis (HP:0000054), Intellectual disability (HP:0001249), Delayed speech and language development (HP:0000750), Developmental regression (HP:0002376), Autistic behavior (HP:0000729), Tics (HP:0100033), Jaundice (HP:0000952), Constipation (HP:0002019).
Comment: The c.563C>T variant in G6PD has previously been reported in many individuals of Middle Eastern and South Asian ancestry with G6PD deficiency, and it has been deposited in ClinVar [ClinVar ID: 100057] as Pathogenic/Likely pathogenic by multiple submitters with affected status provided. The c.563C>T variant is observed in South Asian populations with ~2% minor allele frequency (636 hemizygotes) in population databases (gnomAD v4), however, this frequency is not inconsistent with the associated phenotype. The c.563C>T variant in G6PD is located in exon 6 of this 13-exon gene, and is predicted to replace an evolutionarily conserved serine amino acid with phenylalanine at position 188 (p.(Ser188Phe)) in the NAD binding domain of the encoded protein. In silico predictions are in favor of damaging effect for the p.(Ser188Phe) variant [CADD v1.6 = 23.6, REVEL = 0.811], and functional studies demonstrate decreased enzyme activity in the circulating erythrocytes, increased affinity for G6P, and decreased in vitro thermostability [PMID: 9342374, 3393536]. Based on available evidence this inherited hemizygous c.563C>T p.(Ser188Phe) variant identified in G6PD is classified as Pathogenic.

Johns Hopkins Genomics, Johns Hopkins University
Classification: Pathogenic for Anemia, nonspherocytic hemolytic, due to G6PD deficiency. Last evaluated: 2024-04-29. Review status: criteria provided, single submitter. Criteria: ACMG Guidelines, 2015. Collection method: clinical testing. Allele origin: germline.
Comment: This G6PD missense variant (also known as the Mediterranean variant) has been reported in numerous unrelated individuals with G6PD deficiency, and has also been shown to co-segregate with G6PD deficiency in a family. Additionally, experimental studies support this variant is deleterious. This variant (rs5030868) is present in a large population dataset (gnomAD v4.1.0: 1705/1209752 total alleles; 0.14%; 23 homozogytes, 859 hemizygotes), and has been reported in ClinVar2 (Variation ID 100057). We consider c.563C>T in G6PD to be pathogenic.

Foundation for Research in Genetics and Endocrinology, FRIGE's Institute of Human Genetics
Classification: Likely pathogenic for Anemia, nonspherocytic hemolytic, due to G6PD deficiency. Last evaluated: 2024-04-23. Review status: criteria provided, single submitter. Criteria: ACMG Guidelines, 2015. Collection method: clinical testing. Allele origin: germline. Inheritance: X-linked dominant inheritance. Affected: yes. Observed: 1 heterozygote.
Comment: A heterozygous variant in exon 6 of the G6PD gene that results in the amino acid substitution of Phenylalanine for Serine at codon 188 was detected. The observed variant c.563C>T (p.Ser188Phe) was previously been reported in the 1000 genomes, gnomAD and TOPMed databases with MAF of 0.0833%, 0.1479% and 0.0559% respectively. The in silico prediction of the variant is damaging by SIFT, FATHMM and MutationTaster2. The reference codon is conserved across species. In summary, the variant meets our criteria to be classified as likely pathogenic.

Baylor Genetics
Classification: Pathogenic for Malaria, susceptibility to. Last evaluated: 2024-03-28. Review status: criteria provided, single submitter. Criteria: ACMG Guidelines, 2015. Collection method: clinical testing. Allele origin: unknown.

Department of Pediatrics, Duzce University
Classification: Likely pathogenic for Anemia, nonspherocytic hemolytic, due to G6PD deficiency. Last evaluated: 2024-02-12. Review status: criteria provided, single submitter. Criteria: ACMG Guidelines, 2015. Collection method: research. Allele origin: germline. Inheritance: X-linked inheritance. Affected: yes.
Comment: This is the G6PD Mediterranean allele (p.Ser188Phe), a class II-III severe-deficiency variant with established functional impairment of glucose-6-phosphate dehydrogenase activity (PS3) and a well-documented disease association (PS4_supporting). Frequency is consistent with an X-linked deficiency allele (PM2_supporting); deleterious in silico predictions (PP3). Applied ACMG/AMP criteria: PS3, PS4_supporting, PM2_supporting, PP3. Classification: Likely pathogenic.

Baylor Genetics
Classification: Pathogenic for Anemia, nonspherocytic hemolytic, due to G6PD deficiency. Last evaluated: 2023-12-05. Review status: criteria provided, single submitter. Criteria: ACMG Guidelines, 2015. Collection method: clinical testing. Allele origin: unknown.

Clinical Genetics Laboratory, Skane University Hospital Lund
Classification: Pathogenic. Last evaluated: 2023-11-29. Review status: criteria provided, single submitter. Criteria: ACMG Guidelines, 2015. Collection method: clinical testing. Allele origin: germline. Affected: yes.

Women's Health and Genetics/Laboratory Corporation of America, LabCorp
Classification: Pathogenic for G6PD deficiency. Last evaluated: 2023-10-05. Review status: criteria provided, single submitter. Criteria: LabCorp Variant Classification Summary - May 2015. Collection method: clinical testing. Allele origin: germline.
Comment: Variant summary: G6PD c.653C>T (p.Ser218Phe) results in a non-conservative amino acid change located in the Glucose-6-phosphate dehydrogenase, C-terminal domain (IPR022675) of the encoded protein sequence. Four of five in-silico tools predict a damaging effect of the variant on protein function. The variant allele was found at a frequency of 0.0026 in 183257 control chromosomes in the gnomAD database, including 6 homozygotes. This variant has a high frequency in South Asian population (0.017) in gnomAD. c.653C>T (Also known as G6PD Mediterranean) is a common cause of G6PD deficiency in the Mediterranean area, the Middle East and the India subcontinent (Kurdi-Haidar_1990). c.653C>T has been reported in the literature in multiple individuals affected with severe Glucose 6 Phosphate Dehydrogenase Deficiency (Kurdi-Haidar_1990), neonatal hyperbilirubinaemia (Moiz_2012) and hemolytic anemia (examples: Vulliamy_1988, Similuk_2022, and Naofal_2023). These data indicate that the variant is very likely to be associated with disease. At least one publication reports experimental evidence evaluating an impact on protein function. The most pronounced variant effect results in <10% of normal activity (Vulliamy_1988). The following publications have been ascertained in the context of this evaluation (PMID: 36703223, 35753512, 22906047, 3393536, 1978555). Thirty submitters have cited clinical-significance assessments for this variant to ClinVar after 2014 and classified the variant as pathogenic/likely pathogenic. Based on the evidence outlined above, the variant was classified as pathogenic.

Victorian Clinical Genetics Services, Murdoch Childrens Research Institute
Classification: Pathogenic for Anemia, nonspherocytic hemolytic, due to G6PD deficiency. Last evaluated: 2023-07-17. Review status: criteria provided, single submitter. Criteria: ACMG Guidelines, 2015. Collection method: clinical testing. Allele origin: germline. Inheritance: X-linked recessive inheritance. Affected: no.
Comment: Based on the classification scheme VCGS_Germline_v1.3.4, this variant is classified as Pathogenic. Following criteria are met: 0102 - Loss of function is a known mechanism of disease in this gene and is associated with G6PD deficient haemolytic anaemia (favism) (MIM#300908). (I) 0109 - This gene is associated with X-linked recessive disease. Hemizygous males and homozygous females are commonly affected; however, some heterozygous female carriers can also be affected depending on X-inactivation. (I) 0200 - Variant is predicted to result in a missense amino acid change from serine to phenylalanine. (I) 0251 - This variant is heterozygous. (I) 0304 - Variant is present in gnomAD (v2) <0.01 for a recessive condition (203 heterozygotes, 6 homozygotes, 256 hemizygotes). (SP) 0502 - Missense variant with conflicting in silico predictions and uninformative conservation. (I) 0600 - Variant is located in the annotated glucose-6-phosphate dehydrogenase NAD binding domain (DECIPHER). (I) 0801 - This variant has strong previous evidence of pathogenicity in unrelated individuals. This variant is reported as one of the most common severe pathogenic variants in this gene (ClinVar, LOVD, PMID: 27853304). (SP) 1001 - This variant has strong functional evidence supporting abnormal protein function. The variant has been shown to result in highly impaired enzyme activity (PMID: 3393536, PMID: 7211845). (I) Legend: (SP) - Supporting pathogenic, (I) - Information, (SB) - Supporting benign

Laboratory of Medical Genetics, National & Kapodistrian University of Athens
Classification: Pathogenic for Anemia, nonspherocytic hemolytic, due to G6PD deficiency. Last evaluated: 2023-05-24. Review status: criteria provided, single submitter. Criteria: ACMG Guidelines, 2015. Collection method: clinical testing. Allele origin: germline. Affected: yes.
Comment: PS3, PS4, PM1, PP5

Neuberg Centre For Genomic Medicine, NCGM
Classification: Pathogenic for Anemia, nonspherocytic hemolytic, due to G6PD deficiency. Last evaluated: 2023-05-20. Review status: criteria provided, single submitter. Criteria: ACMG Guidelines, 2015. Collection method: clinical testing. Allele origin: germline. Inheritance: X-linked inheritance. Affected: yes.
Comment: The missense variant c.563C>T(p.Ser188Phe) in G6PD gene has been observed in individual(s) with G6PD deficiency (Thedsawad A, et. al., 2022;Arunachalam AK, et. al., 2020; AlJaouni et.al., 2011; Jamornthanyawat et. al., 2014). Experimental studies have shown that this missense change affects G6PD function (Molouet. al., 2014). It is commonly reported in individuals of Mediterranean, Middle Eastern, or Indian ancestry (AlJaouni et. al., 2011;Jamornthanyawat et. al., 2014). The observed variant has been reported with allele frequency of 0.2 % in gnomAD database. This variant has been reported to the ClinVar database as Likely Pathogenic / Pathogenic (multiple submitters). Computational evidence (Polyphen -Benign , SIFT - damaging and MutationTaster -disease causing) predicts conflicting evidence on protein structure and function for this variant. The amino acid change p.Ser188Phe in G6PD is predicted as conserved by GERP++ and PhyloP across 100 vertebrates. The amino acid Ser at position 188 is changed to a Phe changing protein sequence and it might alter its composition and physico-chemical properties. For these reasons, this variant has been classified as Pathogenic.

Genomic Medicine Center of Excellence, King Faisal Specialist Hospital and Research Centre
Classification: Pathogenic for Anemia, nonspherocytic hemolytic, due to G6PD deficiency. Last evaluated: 2023-05-08. Review status: criteria provided, single submitter. Criteria: ACMG Guidelines, 2015. Collection method: research. Allele origin: germline. Affected: yes.